The following is an entry in ClinVar:

ClinVar aggregate classification (germline): Uncertain significance (1 of 4 stars; one submission).

Conditions:
Hereditary pulmonary alveolar proteinosis. Also called: Pulmonary surfactant metabolism dysfunction. Identifiers: Orphanet 264675, MedGen C3711368, MONDO:0012580.

Allele frequency attached by ClinVar (database versions not stated): gnomAD exomes below 0.00001.
gnomAD v4.1: 1 of 1,613,844 alleles (0.000062%); highest among the groups gnomAD compares: Non-Finnish European, 0.000085%; no homozygotes.

Submission:

Ambry Genetics
Classification: Uncertain significance for Hereditary pulmonary alveolar proteinosis. Last evaluated: 2023-05-12. Review status: criteria provided, single submitter. Criteria: Ambry Variant Classification Scheme 2023. Collection method: clinical testing. Allele origin: germline.
Comment: The p.T239A variant (also known as c.715A>G), located in coding exon 5 of the ABCA3 gene, results from an A to G substitution at nucleotide position 715. The threonine at codon 239 is replaced by alanine, an amino acid with similar properties. This amino acid position is conserved. In addition, this alteration is predicted to be tolerated by in silico analysis. Since supporting evidence is limited at this time, the clinical significance of this alteration remains unclear.

NM_001089.3(ABCA3):c.715A>G (p.Thr239Ala)

Gene: ABCA3 (ATP binding cassette subfamily A member 3; minus strand). Cytogenetic location: 16p13.3.
Variant type: single nucleotide variant.
Coding change: c.715A>G on transcript NM_001089.3 (MANE Select); coding-DNA position 715, A replaced by G.
Protein change: p.Thr239Ala; replaces threonine 239 with alanine.
Molecular consequence: missense variant.
Genome position (GRCh38, 1-based): chr16:2,319,739, T>C on the plus strand (A>G on the coding strand, the complement: ABCA3 is on the minus strand). VCF-style: chr16-2319739-T-C. GRCh37 (hg19) VCF-style: chr16-2369740-T-C.
Other names: short protein forms T239A.
Identifiers: ClinVar variation 2564303 (VCV002564303.2), dbSNP rs1041823532, ClinGen allele CA394346271.
Genomic context (GRCh38, chr16:2,319,739, plus strand): 5'-TGGCCACGAGGAAGGGGTCTGCGATGAACGGCGGGTACGGGAACCTCTTGATGGTCACCG[T>C]CAGTCTCTGGAACAGCTGGCGTGTGGCGGCATCGGCATGGTACTCCATGATGGCCCGGTC-3'
Protein context (NP_001080.2, residues 229-249): AATRQLFQRL[Thr239Ala]VTIKRFPYPP